The following is an entry in ClinVar:

NM_003590.5(CUL3):c.1376_1377+4del

Gene: CUL3 (cullin 3; minus strand). Cytogenetic location: 2q36.2.
Variant type: Deletion.
Coding change: c.1376_1377+4del on transcript NM_003590.5 (MANE Select); coding-DNA position 1376 through 4 bases into the intron after coding-DNA position 1377, 6 bases deleted (AGGTAA; older notation c.1376_1377+4delAGGTAA).
Molecular consequence: splice donor variant.
Genome position (GRCh38, 1-based): chr2:224,503,648-224,503,653, TTACCT deleted on the plus strand (AGGTAA on the coding strand, the reverse complement: CUL3 is on the minus strand); deleting any 6 consecutive bases within chr2:224,503,648-224,503,656 gives the same sequence; the c. name uses the placement nearest the transcript's 3' end. VCF-style (leftmost placement, unchanged base first): chr2-224503647-CTTACCT-C. GRCh37 (hg19) VCF-style: chr2-225368364-CTTACCT-C.
Other names: INT9_(-2to+4)del; K459fs; c.1178_1179+4del (NM_001257197.2); c.1394_1395+4del (NM_001257198.2); c.1376_1377+4delAGGTAA (NM_003590.3).
Identifiers: ClinVar variation 100523 (VCV000100523.3), dbSNP rs199469657, ClinGen allele CA269963.
Genomic context (GRCh38, chr2:224,503,647, plus strand): 5'-TGTCAGTACACAATCATAATAAACCTCAGTTAGGTGCACTCTATTTCATCTAAAACACAC[CTTACCT>C]TTAACTTAGATATCATGTTTTTTTCAGAGTCATCAGAAACACTTTTATTTGTGAGAAGTC-3'

ClinVar aggregate classification (germline): Pathogenic (0 of 4 stars; one submission).

Conditions:
Pseudohypoaldosteronism type 2A (PHA2A). Also called: GORDON HYPERKALEMIA-HYPERTENSION SYNDROME; HYPERTENSIVE HYPERKALEMIA, FAMILIAL. Identifiers: Orphanet 757, Orphanet 88938, MedGen C1840389, MONDO:0007772, OMIM 145260.

Submission:

Richard Lifton Laboratory, Yale University School of Medicine
Classification: Pathogenic for Pseudohypoaldosteronism, type 2. Review status: no assertion criteria provided. Collection method: not provided. Allele origin: germline.
Comment: dominant;intron 9 splice donor
ClinVar note: Converted during submission from pathogenic to Pathogenic.